The following is an entry in ClinVar:

ClinVar aggregate classification (germline): Uncertain significance (1 of 4 stars; one submission).

Conditions:
Familial cancer of breast. Also called: hereditary breast carcinoma; BREAST CANCER, FAMILIAL; Hereditary breast cancer. Identifiers: Orphanet 227535, MedGen C0346153, MONDO:0016419, OMIM 114480. Disease mechanism: loss of function.

Submission:

Labcorp Genetics (formerly Invitae), Labcorp
Classification: Uncertain significance for Familial cancer of breast. Last evaluated: 2021-09-04. Review status: criteria provided, single submitter. Criteria: Invitae Variant Classification Sherloc (09022015). Collection method: clinical testing. Allele origin: germline.
Comment: In summary, the available evidence is currently insufficient to determine the role of this variant in disease. Therefore, it has been classified as a Variant of Uncertain Significance. Algorithms developed to predict the effect of missense changes on protein structure and function are either unavailable or do not agree on the potential impact of this missense change (SIFT: "Tolerated"; PolyPhen-2: "Possibly Damaging"; Align-GVGD: "Class C0"). This variant has not been reported in the literature in individuals affected with CHEK2-related conditions. This variant is not present in population databases (ExAC no frequency). This sequence change replaces proline with threonine at codon 152 of the CHEK2 protein (p.Pro152Thr). The proline residue is highly conserved and there is a small physicochemical difference between proline and threonine.

NM_007194.4(CHEK2):c.454C>A (p.Pro152Thr)

Gene: CHEK2 (checkpoint kinase 2; minus strand). Cytogenetic location: 22q12.1.
Variant type: single nucleotide variant.
Coding change: c.454C>A on transcript NM_007194.4 (MANE Select); coding-DNA position 454, C replaced by A.
Protein change: p.Pro152Thr; replaces proline 152 with threonine.
Molecular consequence: missense variant. On other transcripts: 5 prime UTR variant (2), intron variant (1).
Genome position (GRCh38, 1-based): chr22:28,725,115, G>T on the plus strand (C>A on the coding strand, the complement: CHEK2 is on the minus strand). VCF-style: chr22-28725115-G-T. GRCh37 (hg19) VCF-style: chr22-29121103-G-T.
Other names: c.583C>A, p.Pro195Thr (NM_001005735.3, NM_001438294.1); c.-324C>A (NM_001257387.3); c.-210C>A (NM_001437942.1); c.547C>A, p.Pro183Thr (NM_001438293.1, NM_001438295.1); c.454C>A, p.Pro152Thr (NM_145862.3); c.444+128C>A (NM_001349956.3); short protein forms P152T, P195T, P183T.
Identifiers: ClinVar variation 1436631 (VCV001436631.7), dbSNP rs2146061931, ClinGen allele CA411107734.